The following is an entry in ClinVar:

NM_000081.4(LYST):c.4288C>T (p.Arg1430Ter)

Gene: LYST (lysosomal trafficking regulator; minus strand). Cytogenetic location: 1q42.3.
Variant type: single nucleotide variant.
Coding change: c.4288C>T on transcript NM_000081.4 (MANE Select); coding-DNA position 4288, C replaced by T.
Protein change: p.Arg1430Ter; replaces arginine 1430 with a stop codon.
Molecular consequence: nonsense.
Genome position (GRCh38, 1-based): chr1:235,791,954, G>A on the plus strand (C>T on the coding strand, the complement: LYST is on the minus strand). VCF-style: chr1-235791954-G-A. GRCh37 (hg19) VCF-style: chr1-235955254-G-A.
Other names: c.4288C>T, p.Arg1430Ter (NM_001301365.1); short protein forms R1430*.
Identifiers: ClinVar variation 988817 (VCV000988817.4), dbSNP rs1468055437, ClinGen allele CA344960043.

ClinVar aggregate classification (germline): Pathogenic. Review status: criteria provided, single submitter (1 of 4 stars). 2 submissions from 2 submitters: Pathogenic (1). 1 of the submissions does not count toward it. Last evaluated 2023-06-17.

Conditions:
Chédiak-Higashi syndrome (CHS). Also called: Chediak-Higashi Syndrome. Identifiers: Orphanet 167, MedGen C0007965, MONDO:0008963, OMIM 214500.
Abnormal bleeding. Also called: Bleeding diathesis. Identifiers: MedGen C1458140, HP:0001892.
Thrombocytopenia. Identifiers: MedGen C0040034, MeSH D013921, MONDO:0002049, HP:0001873.

gnomAD v4.1: 2 of 1,614,080 alleles (0.00012%); highest among the groups gnomAD compares: Non-Finnish European, 0.00017%; no homozygotes.

Submissions (2):

Labcorp Genetics (formerly Invitae), Labcorp
Classification: Pathogenic for Chédiak-Higashi syndrome. Last evaluated: 2023-06-17. Review status: criteria provided, single submitter. Criteria: Invitae Variant Classification Sherloc (09022015). Collection method: clinical testing. Allele origin: germline.
Comment: For these reasons, this variant has been classified as Pathogenic. ClinVar contains an entry for this variant (Variation ID: 988817). This premature translational stop signal has been observed in individual(s) with clinical features of Chediak-Higashi syndrome (PMID: 32935436). This variant is not present in population databases (gnomAD no frequency). This sequence change creates a premature translational stop signal (p.Arg1430*) in the LYST gene. It is expected to result in an absent or disrupted protein product. Loss-of-function variants in LYST are known to be pathogenic (PMID: 9215679, 11857544).

Birmingham Platelet Group; University of Birmingham
Classification: Likely pathogenic for Thrombocytopenia; Abnormal bleeding. Last evaluated: 2020-05-01. Review status: no assertion criteria provided. Collection method: research. Allele origin: germline. Affected: yes. Not counted in ClinVar's aggregate classification.

Literature cited by the submitters: PubMed 32935436 (cited by Labcorp Genetics (formerly Invitae), Labcorp); PubMed 9215679 (cited by Labcorp Genetics (formerly Invitae), Labcorp); PubMed 11857544 (cited by Labcorp Genetics (formerly Invitae), Labcorp).